The following is an entry in ClinVar:

ClinVar aggregate classification (germline): Conflicting classifications of pathogenicity. Review status: criteria provided, conflicting classifications (1 of 4 stars). 5 submissions from 5 submitters: Uncertain significance (4); Likely benign (1). Last evaluated 2026-05-10.

Conditions:
Retinitis pigmentosa 71 (RP71). Identifiers: Orphanet 791, MedGen C4225342, MONDO:0014618, OMIM 616394.
Short-rib thoracic dysplasia 10 with or without polydactyly (SRTD10). Identifiers: Orphanet 474, MedGen C3810175, MONDO:0014284, OMIM 615630.
Inborn genetic diseases. Identifiers: MedGen C0950123, MeSH D030342.
Bardet-Biedl syndrome 20. Identifiers: MedGen C4310707, MONDO:0023670, OMIM 619471, MONDO:0014926.
IFT172-related disorder. Also called: IFT172-related condition; IFT172-related disorders.

Allele frequency attached by ClinVar (database versions not stated): gnomAD 0.00001 and 0.00004; TOPMed 0.00002; gnomAD exomes 0.00005 and 0.00014; ExAC 0.00013; 1000 Genomes Project 30x 0.00031; 1000 Genomes Project 0.00040.
gnomAD v4.1: 74 of 1,614,216 alleles (0.0046%); highest among the groups gnomAD compares: South Asian, 0.063%; no homozygotes.

Submissions (5):

PreventionGenetics, part of Exact Sciences
Classification: Uncertain significance for IFT172-related condition. Last evaluated: 2026-05-10. Review status: criteria provided, single submitter. Criteria: ACMG Guidelines, 2015. Collection method: clinical testing. Allele origin: germline.
Comment: The IFT172 c.3178G>A variant is predicted to result in the amino acid substitution p.Ala1060Thr. To our knowledge, this variant has not been reported in the literature. This variant is reported in 0.091% of alleles in individuals of South Asian descent in gnomAD, which may be too common to be an undocumented disease causing variant. Although we suspect that this variant may be benign, at this time, the clinical significance of this variant is uncertain due to the absence of conclusive functional and genetic evidence.

Labcorp Genetics (formerly Invitae), Labcorp
Classification: Likely benign for Retinitis pigmentosa 71; Short-rib thoracic dysplasia 10 with or without polydactyly. Last evaluated: 2025-12-23. Review status: criteria provided, single submitter. Criteria: Invitae Variant Classification Sherloc (09022015). Collection method: clinical testing. Allele origin: germline.

Ambry Genetics
Classification: Uncertain significance for Inborn genetic diseases. Last evaluated: 2025-06-10. Review status: criteria provided, single submitter. Criteria: Ambry Variant Classification Scheme 2023. Collection method: clinical testing. Allele origin: germline.

Blueprint Genetics
Classification: Uncertain significance. Last evaluated: 2024-09-20. Review status: criteria provided, single submitter. Criteria: ACMG Guidelines, 2015. Collection method: clinical testing. Allele origin: germline.

Fulgent Genetics
Classification: Uncertain significance for Short-rib thoracic dysplasia 10 with or without polydactyly; Retinitis pigmentosa 71; Bardet-Biedl syndrome 20. Last evaluated: 2021-12-06. Review status: criteria provided, single submitter. Criteria: ACMG Guidelines, 2015. Collection method: clinical testing. Allele origin: unknown.

NM_015662.3(IFT172):c.3178G>A (p.Ala1060Thr)

Gene: IFT172 (intraflagellar transport 172; minus strand). Cytogenetic location: 2p23.3.
Variant type: single nucleotide variant.
Coding change: c.3178G>A on transcript NM_015662.3 (MANE Select); coding-DNA position 3178, G replaced by A.
Protein change: p.Ala1060Thr; replaces alanine 1060 with threonine.
Molecular consequence: missense variant.
Genome position (GRCh38, 1-based): chr2:27,457,689, C>T on the plus strand (G>A on the coding strand, the complement: IFT172 is on the minus strand). VCF-style: chr2-27457689-C-T. GRCh37 (hg19) VCF-style: chr2-27680556-C-T.
Other names: c.3178G>A (NM_015662.1, NM_015662.2); short protein forms A1060T.
Identifiers: ClinVar variation 1010990 (VCV001010990.13), dbSNP rs560379580, ClinGen allele CA1580063.